The following is an entry in ClinVar:

NM_015192.4(PLCB1):c.2683G>A (p.Glu895Lys)

Gene: PLCB1 (phospholipase C beta 1; plus strand). Cytogenetic location: 20p12.3.
Variant type: single nucleotide variant.
Coding change: c.2683G>A on transcript NM_015192.4 (MANE Select); coding-DNA position 2683, G replaced by A.
Protein change: p.Glu895Lys; replaces glutamic acid 895 with lysine.
Molecular consequence: missense variant.
Genome position (GRCh38, 1-based): chr20:8,760,433, G>A. VCF-style: chr20-8760433-G-A. GRCh37 (hg19) VCF-style: chr20-8741080-G-A.
Other names: c.2683G>A, p.Glu895Lys (NM_182734.3); short protein forms E895K.
Identifiers: ClinVar variation 4088244 (VCV004088244.1).

ClinVar aggregate classification (germline): Uncertain significance (1 of 4 stars; one submission).

Submission:

GeneDx
Classification: Uncertain significance. Last evaluated: 2025-03-28. Review status: criteria provided, single submitter. Criteria: GeneDx Variant Classification Process June 2021. Collection method: clinical testing. Allele origin: germline. Affected: yes.
Comment: Not observed at significant frequency in large population cohorts (gnomAD); In silico analysis indicates that this missense variant does not alter protein structure/function; Has not been previously published as pathogenic or benign to our knowledge